The following is an entry in ClinVar:

NM_001286.5(CLCN6):c.613C>A (p.His205Asn)

Gene: CLCN6 (Cl-/H+ antiporter 6; plus strand). Cytogenetic location: 1p36.22.
Variant type: single nucleotide variant.
Coding change: c.613C>A on transcript NM_001286.5 (MANE Select); coding-DNA position 613, C replaced by A.
Protein change: p.His205Asn; replaces histidine 205 with asparagine.
Molecular consequence: missense variant. On other transcripts: non-coding transcript variant (1).
Genome position (GRCh38, 1-based): chr1:11,824,518, C>A. VCF-style: chr1-11824518-C-A. GRCh37 (hg19) VCF-style: chr1-11884575-C-A.
Other names: c.547C>A, p.His183Asn (NM_001256959.2); short protein forms H183N, H205N.
Identifiers: ClinVar variation 4999665 (VCV004999665.1).

ClinVar aggregate classification (germline): Uncertain significance (1 of 4 stars; one submission).

Conditions:
CLCN6-related disorder. Also called: CLCN6-related condition.

Submission:

PreventionGenetics, part of Exact Sciences
Classification: Uncertain significance for CLCN6-related condition. Last evaluated: 2025-07-11. Review status: criteria provided, single submitter. Criteria: ACMG Guidelines, 2015. Collection method: clinical testing. Allele origin: germline.
Comment: The CLCN6 c.613C>A variant is predicted to result in the amino acid substitution p.His205Asn. To our knowledge, this variant has not been reported in the literature or in a large population database (gnomAD), indicating this variant is rare. At this time, the clinical significance of this variant is uncertain due to the absence of conclusive functional and genetic evidence.